The following is an entry in ClinVar:

ClinVar aggregate classification (germline): Uncertain significance. Review status: criteria provided, multiple submitters, no conflicts (2 of 4 stars). 3 submissions from 2 submitters: Uncertain significance (3). Last evaluated 2024-09-06.

Conditions:
Pyruvate dehydrogenase E1-alpha deficiency (PDHAD). Also called: ATAXIA, INTERMITTENT, WITH PYRUVATE DEHYDROGENASE DEFICIENCY; ATAXIA WITH LACTIC ACIDOSIS I; ATAXIA, INTERMITTENT, WITH ABNORMAL PYRUVATE METABOLISM; Ataxia, intermittent, with pyruvate dehydrogenase, or decarboxylase, deficiency. Identifiers: Orphanet 79243, MedGen C1839413, MONDO:0010717, OMIM 312170.
Epileptic encephalopathy. Identifiers: MedGen C0543888, HP:0200134.
Seizure. Also called: Seizures. Identifiers: MedGen C0036572, HP:0001250.

Submissions (3):

Labcorp Genetics (formerly Invitae), Labcorp
Classification: Uncertain significance for Pyruvate dehydrogenase E1-alpha deficiency. Last evaluated: 2024-09-06. Review status: criteria provided, single submitter. Criteria: Invitae Variant Classification Sherloc (09022015). Collection method: clinical testing. Allele origin: germline.
Comment: This sequence change replaces arginine, which is basic and polar, with threonine, which is neutral and polar, at codon 22 of the PDHA1 protein (p.Arg22Thr). This variant is not present in population databases (gnomAD no frequency). This missense change has been observed in individual(s) with clinical features of PDHA1-related conditions (PMID: 29286531). ClinVar contains an entry for this variant (Variation ID: 373898). Invitae Evidence Modeling of protein sequence and biophysical properties (such as structural, functional, and spatial information, amino acid conservation, physicochemical variation, residue mobility, and thermodynamic stability) has been performed for this missense variant. However, the output from this modeling did not meet the statistical confidence thresholds required to predict the impact of this variant on PDHA1 protein function. In summary, the available evidence is currently insufficient to determine the role of this variant in disease. Therefore, it has been classified as a Variant of Uncertain Significance.

Centre for Mendelian Genomics, University Medical Centre Ljubljana
Classification: Uncertain significance for Pyruvate dehydrogenase E1-alpha deficiency. Last evaluated: 2016-01-01. Review status: criteria provided, single submitter. Criteria: ACMG Guidelines, 2015. Collection method: clinical testing. Allele origin: unknown. Affected: yes.
Comment: This variant was classified as: Uncertain significance. This variant was detected in hemizygous state.

Centre for Mendelian Genomics, University Medical Centre Ljubljana
Classification: Uncertain significance for Epileptic encephalopathy; Seizure. Last evaluated: 2014-06-11. Review status: criteria provided, single submitter. Criteria: ACMG Guidelines, 2015. Collection method: clinical testing. Allele origin: unknown. Affected: yes.

Literature cited by the submitters: PubMed 29286531 (cited by Labcorp Genetics (formerly Invitae), Labcorp).

NM_000284.4(PDHA1):c.65G>C (p.Arg22Thr)

Gene: PDHA1 (pyruvate dehydrogenase E1 subunit alpha 1; plus strand). Cytogenetic location: Xp22.12.
Variant type: single nucleotide variant.
Coding change: c.65G>C on transcript NM_000284.4 (MANE Select); coding-DNA position 65, G replaced by C.
Protein change: p.Arg22Thr; replaces arginine 22 with threonine.
Molecular consequence: missense variant.
Genome position (GRCh38, 1-based): chrX:19,349,319, G>C. VCF-style: chrX-19349319-G-C. GRCh37 (hg19) VCF-style: chrX-19367437-G-C.
Other names: c.179G>C, p.Arg60Thr (NM_001173454.2); c.65G>C, p.Arg22Thr (NM_001173455.2, NM_001173456.2); short protein forms R22T, R60T.
Identifiers: ClinVar variation 373898 (VCV000373898.6), dbSNP rs1057518756, ClinGen allele CA16043583.
Genomic context (GRCh38, chrX:19,349,319, plus strand): 5'-AATAGCTGACAATTAAAAAGTACTGATTTGTTTGTATATTTTTGTCTTTTAAGGCAAGCA[G>C]AGTGCTGGTAGCATCCCGTAATTTTGCAAATGATGCTACATTTGAAATTAAGGTAAGAGG-3'
Protein context (NP_000275.1, residues 12-32): LSGASQKPAS[Arg22Thr]VLVASRNFAN